The following is an entry in ClinVar:

NM_000018.4(ACADVL):c.325G>A (p.Val109Met)

Gene: ACADVL (acyl-CoA dehydrogenase very long chain; plus strand). Cytogenetic location: 17p13.1.
Variant type: single nucleotide variant.
Coding change: c.325G>A on transcript NM_000018.4 (MANE Select); coding-DNA position 325, G replaced by A.
Protein change: p.Val109Met; replaces valine 109 with methionine.
Molecular consequence: missense variant.
Genome position (GRCh38, 1-based): chr17:7,220,813, G>A. VCF-style: chr17-7220813-G-A. GRCh37 (hg19) VCF-style: chr17-7124132-G-A.
Other names: c.259G>A, p.Val87Met (NM_001033859.3); c.394G>A, p.Val132Met (NM_001270447.2); c.97G>A, p.Val33Met (NM_001270448.2); c.325G>A (NM_000018.2); short protein forms V109M, V33M, V132M, V87M.
Identifiers: ClinVar variation 523060 (VCV000523060.9), dbSNP rs754207297, ClinGen allele CA8337650.
Genomic context (GRCh38, chr17:7,220,813, plus strand): 5'-CCACCCTCTGCAGTGCTCAACGAAGAGCAGACACAGTTTCTTAAAGAGCTGGTGGAGCCT[G>A]TGTCCCGTTTCTTCGAGGTAAGGAATGACTCGGGGCTTGGTCCCTGGTGAGGTGTTTGGA-3'
Protein context (NP_000009.1, residues 99-119): TQFLKELVEP[Val109Met]SRFFEEVNDP

ClinVar aggregate classification (germline): Uncertain significance. Review status: criteria provided, multiple submitters, no conflicts (2 of 4 stars). 4 submissions from 4 submitters: Uncertain significance (4). Last evaluated 2025-09-01.

Conditions:
Inborn genetic diseases. Identifiers: MedGen C0950123, MeSH D030342.
Pearson syndrome. Also called: Pearson's syndrome; SIDEROBLASTIC ANEMIA WITH MARROW CELL VACUOLIZATION AND EXOCRINE PANCREATIC DYSFUNCTION; Pearson marrow-pancreas syndrome. Identifiers: Orphanet 699, MedGen C0342784, MONDO:0010797, OMIM 557000.
Very long chain acyl-CoA dehydrogenase deficiency (ACADVLD). Also called: VLCAD Deficiency; Very Long-Chain Acyl-Coenzyme A Dehydrogenase Deficiency. Identifiers: Orphanet 26793, MedGen C3887523, MONDO:0008723, OMIM 201475.

Allele frequency attached by ClinVar (database versions not stated): gnomAD below 0.00001 and 0.00001; gnomAD exomes 0.00002; ExAC 0.00005.

Submissions (4):

Ambry Genetics
Classification: Uncertain significance for Inborn genetic diseases. Last evaluated: 2025-09-01. Review status: criteria provided, single submitter. Criteria: Ambry Variant Classification Scheme 2023. Collection method: clinical testing. Allele origin: germline.

Labcorp Genetics (formerly Invitae), Labcorp
Classification: Uncertain significance for Very long chain acyl-CoA dehydrogenase deficiency. Last evaluated: 2022-08-22. Review status: criteria provided, single submitter. Criteria: Invitae Variant Classification Sherloc (09022015). Collection method: clinical testing. Allele origin: germline.
Comment: This sequence change replaces valine, which is neutral and non-polar, with methionine, which is neutral and non-polar, at codon 109 of the ACADVL protein (p.Val109Met). This variant is present in population databases (rs754207297, gnomAD 0.02%). This variant has not been reported in the literature in individuals affected with ACADVL-related conditions. ClinVar contains an entry for this variant (Variation ID: 523060). Algorithms developed to predict the effect of missense changes on protein structure and function (SIFT, PolyPhen-2, Align-GVGD) all suggest that this variant is likely to be tolerated. In summary, the available evidence is currently insufficient to determine the role of this variant in disease. Therefore, it has been classified as a Variant of Uncertain Significance.

Revvity Omics, Revvity
Classification: Uncertain significance for Very long chain acyl-CoA dehydrogenase deficiency. Last evaluated: 2022-07-22. Review status: criteria provided, single submitter. Criteria: ACMG Guidelines, 2015. Collection method: clinical testing. Allele origin: germline.

Genomic Research Center, Shahid Beheshti University of Medical Sciences
Classification: Uncertain significance for Pearson syndrome. Last evaluated: 2017-12-18. Review status: criteria provided, single submitter. Criteria: ACMG Guidelines, 2015. Collection method: clinical testing. Allele origin: inherited. Affected: yes.